The following is an entry in ClinVar:

ClinVar aggregate classification (germline): Uncertain significance (1 of 4 stars; one submission).

Conditions:
PLXNA1-related disorder. Also called: PLXNA1-related condition.

gnomAD v4.1: 34 of 1,608,076 alleles (0.0021%); highest among the groups gnomAD compares: African/African-American, 0.0067%; no homozygotes.

Submission:

PreventionGenetics, part of Exact Sciences
Classification: Uncertain significance for PLXNA1-related condition. Last evaluated: 2026-08-14. Review status: criteria provided, single submitter. Criteria: ACMG Guidelines, 2015. Collection method: clinical testing. Allele origin: germline.
Comment: The PLXNA1 c.2642G>A variant is predicted to result in the amino acid substitution p.Arg881Gln. To our knowledge, this variant has not been reported in the literature. This variant is reported in 0.0050% of alleles in individuals of East Asian descent in gnomAD. An alternative variant at the same codon p.Arg881Trp has been observed in the homozygous state in an individual with neurodevelopmental disorder with cerebral and eye anomalies (Dworschak et al. 2021. PubMed ID: 34054129). At this time, the clinical significance of the p.Arg881Gln variant is uncertain due to the absence of conclusive functional and genetic evidence.

NM_032242.4(PLXNA1):c.2642G>A (p.Arg881Gln)

Gene: PLXNA1 (plexin A1; plus strand). Cytogenetic location: 3q21.3.
Variant type: single nucleotide variant.
Coding change: c.2642G>A on transcript NM_032242.4 (MANE Select); coding-DNA position 2642, G replaced by A.
Protein change: p.Arg881Gln; replaces arginine 881 with glutamine.
Molecular consequence: missense variant.
Genome position (GRCh38, 1-based): chr3:127,014,515, G>A. VCF-style: chr3-127014515-G-A. GRCh37 (hg19) VCF-style: chr3-126733358-G-A.
Other names: short protein forms R881Q.
Identifiers: ClinVar variation 4986722 (VCV004986722.1).